The following is an entry in ClinVar:

NM_001201543.2(FAM161A):c.310G>C (p.Ala104Pro)

Gene: FAM161A (FAM161 centrosomal protein A; minus strand). Cytogenetic location: 2p15.
Variant type: single nucleotide variant.
Coding change: c.310G>C on transcript NM_001201543.2 (MANE Select); coding-DNA position 310, G replaced by C.
Protein change: p.Ala104Pro; replaces alanine 104 with proline.
Molecular consequence: missense variant. On other transcripts: non-coding transcript variant (1).
Genome position (GRCh38, 1-based): chr2:61,842,234, C>G on the plus strand (G>C on the coding strand, the complement: FAM161A is on the minus strand). VCF-style: chr2-61842234-C-G. GRCh37 (hg19) VCF-style: chr2-62069369-C-G.
Other names: c.310G>C, p.Ala104Pro (NM_032180.3); short protein forms A104P.
Identifiers: ClinVar variation 1485873 (VCV001485873.4), dbSNP rs920822935, ClinGen allele CA48478676.

ClinVar aggregate classification (germline): Uncertain significance. Review status: criteria provided, multiple submitters, no conflicts (2 of 4 stars). 2 submissions from 2 submitters: Uncertain significance (2). Last evaluated 2022-03-02.

Allele frequency attached by ClinVar (database versions not stated): TOPMed below 0.00001.
gnomAD v4.1: 5 of 1,613,220 alleles (0.00031%); highest among the groups gnomAD compares: Admixed American, 0.0033%; no homozygotes.

Submissions (2):

Blueprint Genetics
Classification: Uncertain significance. Last evaluated: 2022-03-02. Review status: criteria provided, single submitter. Criteria: ACMG Guidelines, 2015. Collection method: clinical testing. Allele origin: germline.

Labcorp Genetics (formerly Invitae), Labcorp
Classification: Uncertain significance. Last evaluated: 2021-10-10. Review status: criteria provided, single submitter. Criteria: Invitae Variant Classification Sherloc (09022015). Collection method: clinical testing. Allele origin: germline.
Comment: This sequence change replaces alanine with proline at codon 104 of the FAM161A protein (p.Ala104Pro). The alanine residue is weakly conserved and there is a small physicochemical difference between alanine and proline. This variant is not present in population databases (ExAC no frequency). This variant has not been reported in the literature in individuals with FAM161A-related conditions. Algorithms developed to predict the effect of missense changes on protein structure and function are either unavailable or do not agree on the potential impact of this missense change (SIFT: "Tolerated"; PolyPhen-2: "Probably Damaging"; Align-GVGD: "Class C0"). In summary, the available evidence is currently insufficient to determine the role of this variant in disease. Therefore, it has been classified as a Variant of Uncertain Significance.